The following is an entry in ClinVar:

NM_003000.3(SDHB):c.442del (p.Ala148fs)

Gene: SDHB (succinate dehydrogenase complex iron sulfur subunit B; minus strand). Cytogenetic location: 1p36.13.
Variant type: Deletion.
Coding change: c.442del on transcript NM_003000.3 (MANE Select); coding-DNA position 442, one base deleted (G; older notation c.442delG).
Protein change: p.Ala148fs; shifts the reading frame from alanine 148.
Molecular consequence: frameshift variant.
Genome position (GRCh38, 1-based): chr1:17,027,847, C deleted on the plus strand (G on the coding strand, the reverse complement: SDHB is on the minus strand). VCF-style (leftmost placement, unchanged base first): chr1-17027846-GC-G. GRCh37 (hg19) VCF-style: chr1-17354341-GC-G.
Other names: c.442delG (NM_003000.2); short protein forms A148fs.
Identifiers: ClinVar variation 232009 (VCV000232009.5), dbSNP rs876659491, ClinGen allele CA10577676.
Genomic context (GRCh38, chr1:17,027,846, plus strand): 5'-TGCTTGCCTTCCTGAGATTCATCCTTCTTCTTCAAATAAGGCTCAATGGATTTGTACTGT[GC>G]ATAGAAGTTGCTCAAATCCTGTGGTTAAGAGGAAGAAGAAGAAGAAGAAGAAGAAAAGGA-3'

ClinVar aggregate classification (germline): Pathogenic (1 of 4 stars; one submission).

Conditions:
Hereditary cancer-predisposing syndrome. Also called: Neoplastic Syndromes, Hereditary; Tumor predisposition; Hereditary Cancer Syndrome; Hereditary neoplastic syndrome. Identifiers: Orphanet 140162, MedGen C0027672, MeSH D009386, MONDO:0015356.

Submission:

Ambry Genetics
Classification: Pathogenic for Hereditary cancer-predisposing syndrome. Last evaluated: 2015-06-29. Review status: criteria provided, single submitter. Criteria: Ambry Variant Classification Scheme 2023. Collection method: clinical testing. Allele origin: germline.
Comment: The c.442delG pathogenic mutation, located in coding exon 5 of the SDHB gene, results from a deletion of one nucleotide at position 442, causing a translational frameshift with a predicted alternate stop codon. Since frameshifts are typically deleterious in nature, this alteration is interpreted as a disease-causing mutation (ACMG Recommendations for Standards for Interpretation and Reporting of Sequence Variations. Revision 2007. Genet Med. 2008;10:294).